The following is an entry in ClinVar:

ClinVar aggregate classification (germline): Uncertain significance (1 of 4 stars; one submission).

Conditions:
Usher syndrome type 3B. Also called: USHER SYNDROME, TYPE IIIB. Identifiers: MedGen C3281066, MONDO:0013788, OMIM 614504.

Submission:

Labcorp Genetics (formerly Invitae), Labcorp
Classification: Uncertain significance for Usher syndrome type 3B. Last evaluated: 2024-05-20. Review status: criteria provided, single submitter. Criteria: Invitae Variant Classification Sherloc (09022015). Collection method: clinical testing. Allele origin: germline.
Comment: This sequence change replaces alanine, which is neutral and non-polar, with aspartic acid, which is acidic and polar, at codon 359 of the HARS protein (p.Ala359Asp). This variant is not present in population databases (gnomAD no frequency). This variant has not been reported in the literature in individuals affected with HARS-related conditions. ClinVar contains an entry for this variant (Variation ID: 1680309). Advanced modeling of protein sequence and biophysical properties (such as structural, functional, and spatial information, amino acid conservation, physicochemical variation, residue mobility, and thermodynamic stability) has been performed at Invitae for this missense variant, however the output from this modeling did not meet the statistical confidence thresholds required to predict the impact of this variant on HARS protein function. In summary, the available evidence is currently insufficient to determine the role of this variant in disease. Therefore, it has been classified as a Variant of Uncertain Significance.

NM_002109.6(HARS1):c.1076C>A (p.Ala359Asp)

Gene: HARS1 (histidyl-tRNA synthetase 1; minus strand). Cytogenetic location: 5q31.3.
Variant type: single nucleotide variant.
Coding change: c.1076C>A on transcript NM_002109.6 (MANE Select); coding-DNA position 1076, C replaced by A.
Protein change: p.Ala359Asp; replaces alanine 359 with aspartic acid.
Molecular consequence: missense variant.
Genome position (GRCh38, 1-based): chr5:140,676,772, G>T on the plus strand (C>A on the coding strand, the complement: HARS1 is on the minus strand). VCF-style: chr5-140676772-G-T. GRCh37 (hg19) VCF-style: chr5-140056357-G-T.
Other names: c.956C>A, p.Ala319Asp (NM_001258040.3); c.1016C>A, p.Ala339Asp (NM_001258041.3); c.896C>A, p.Ala299Asp (NM_001258042.3); c.854C>A, p.Ala285Asp (NM_001289092.2); c.734C>A, p.Ala245Asp (NM_001289093.2); c.989C>A, p.Ala330Asp (NM_001289094.2); short protein forms A245D, A285D, A299D, A319D, A330D, A339D, A359D.
Identifiers: ClinVar variation 1680309 (VCV001680309.8), dbSNP rs1313670595, ClinGen allele CA361251334.